The following is an entry in ClinVar:

NM_000138.5(FBN1):c.4469A>G (p.Glu1490Gly)

Gene: FBN1 (fibrillin 1; minus strand). Cytogenetic location: 15q21.1.
Variant type: single nucleotide variant.
Coding change: c.4469A>G on transcript NM_000138.5 (MANE Select); coding-DNA position 4469, A replaced by G.
Protein change: p.Glu1490Gly; replaces glutamic acid 1490 with glycine.
Molecular consequence: missense variant.
Genome position (GRCh38, 1-based): chr15:48,468,525, T>C on the plus strand (A>G on the coding strand, the complement: FBN1 is on the minus strand). VCF-style: chr15-48468525-T-C. GRCh37 (hg19) VCF-style: chr15-48760722-T-C.
Other names: short protein forms E1490G.
Identifiers: ClinVar variation 850247 (VCV000850247.9), dbSNP rs2043341806, ClinGen allele CA392353815.
Genomic context (GRCh38, chr15:48,468,525, plus strand): 5'-ATATAGCTGCCTGGAGTGTTGACACAGTTCCCACTGATGCACGTGGTTGGATCCAGGCAT[T>C]CATTCACATCTAAAACCGAACAGTGAGTAGTGGAGTTATCACCTGAGCCAGTGTAGGCAG-3'
Protein context (NP_000129.3, residues 1480-1500): RSGGNCTDVN[Glu1490Gly]CLDPTTCISG

ClinVar aggregate classification (germline): Uncertain significance (1 of 4 stars; one submission).

Conditions:
Familial thoracic aortic aneurysm and aortic dissection (TAAD). Also called: Thoracic aortic aneurysms and dissections. Identifiers: Orphanet 91387, MedGen C4707243, MONDO:0019625.
Marfan syndrome (MFS). Also called: FBN1-Related Marfan Syndrome; Marfan's syndrome; MARFAN SYNDROME, TYPE I; Marfan syndrome type 1; Marfan syndrome, classic. Identifiers: Orphanet 284963, Orphanet 558, MedGen C0024796, MONDO:0007947, OMIM 154700.

Submission:

Labcorp Genetics (formerly Invitae), Labcorp
Classification: Uncertain significance for Marfan syndrome; Familial thoracic aortic aneurysm and aortic dissection. Last evaluated: 2019-03-01. Review status: criteria provided, single submitter. Criteria: Invitae Variant Classification Sherloc (09022015). Collection method: clinical testing. Allele origin: germline.
Comment: This variant is not present in population databases (ExAC no frequency). This sequence change replaces glutamic acid with glycine at codon 1490 of the FBN1 protein (p.Glu1490Gly). The glutamic acid residue is highly conserved and there is a moderate physicochemical difference between glutamic acid and glycine. Algorithms developed to predict the effect of missense changes on protein structure and function (SIFT, PolyPhen-2, Align-GVGD) all suggest that this variant is likely to be disruptive, but these predictions have not been confirmed by published functional studies and their clinical significance is uncertain. In summary, the available evidence is currently insufficient to determine the role of this variant in disease. Therefore, it has been classified as a Variant of Uncertain Significance.